The following is an entry in ClinVar:

ClinVar aggregate classification (germline): Uncertain significance (1 of 4 stars; one submission).

gnomAD v4.1: 3 of 1,613,794 alleles (0.00019%); no homozygotes.

Submission:

Labcorp Genetics (formerly Invitae), Labcorp
Classification: Uncertain significance. Last evaluated: 2024-04-16. Review status: criteria provided, single submitter. Criteria: Invitae Variant Classification Sherloc (09022015). Collection method: clinical testing. Allele origin: germline.
Comment: This sequence change replaces threonine, which is neutral and polar, with alanine, which is neutral and non-polar, at codon 738 of the RPS6KC1 protein (p.Thr738Ala). This variant is present in population databases (no rsID available, gnomAD 0.01%). This variant has not been reported in the literature in individuals affected with RPS6KC1-related conditions. Algorithms developed to predict the effect of missense changes on protein structure and function output the following: SIFT: "Not Available"; PolyPhen-2: "Benign"; Align-GVGD: "Not Available". The alanine amino acid residue is found in multiple mammalian species, which suggests that this missense change does not adversely affect protein function. In summary, the available evidence is currently insufficient to determine the role of this variant in disease. Therefore, it has been classified as a Variant of Uncertain Significance.

NM_012424.6(RPS6KC1):c.2212A>G (p.Thr738Ala)

Gene: RPS6KC1 (ribosomal protein S6 kinase C1; plus strand). Cytogenetic location: 1q32.3.
Variant type: single nucleotide variant.
Coding change: c.2212A>G on transcript NM_012424.6 (MANE Select); coding-DNA position 2212, A replaced by G.
Protein change: p.Thr738Ala; replaces threonine 738 with alanine.
Molecular consequence: missense variant. On other transcripts: non-coding transcript variant (4).
Genome position (GRCh38, 1-based): chr1:213,241,688, A>G. VCF-style: chr1-213241688-A-G. GRCh37 (hg19) VCF-style: chr1-213415031-A-G.
Other names: c.2176A>G, p.Thr726Ala (NM_001136138.4); c.1576A>G, p.Thr526Ala (NM_001287218.3, NM_001287219.3, NM_001349654.2); c.817A>G, p.Thr273Ala (NM_001287220.3, NM_001349663.2, NM_001349664.2 and 8 more transcripts); c.1669A>G, p.Thr557Ala (NM_001287221.3, NM_001349648.2, NM_001349649.2 and 4 more transcripts); c.2119A>G, p.Thr707Ala (NM_001349646.2); c.1849A>G, p.Thr617Ala (NM_001349647.2); c.1321A>G, p.Thr441Ala (NM_001349657.2, NM_001349658.2); c.1156A>G, p.Thr386Ala (NM_001349659.2, NM_001349660.2, NM_001349661.2 and 1 more transcripts); short protein forms T441A, T557A, T386A, T617A, T707A, T738A, T273A, T526A.
Identifiers: ClinVar variation 3684078 (VCV003684078.2).